The following is an entry in ClinVar:

NM_001009944.3(PKD1):c.11677C>G (p.Leu3893Val)

Genes: PKD1 (polycystin 1, transient receptor potential channel interacting; minus strand), PKD1-AS1 (PKD1 antisense RNA 1; plus strand). Cytogenetic location: 16p13.3.
Variant type: single nucleotide variant.
Coding change: c.11677C>G on transcript NM_001009944.3 (MANE Select); coding-DNA position 11677, C replaced by G.
Protein change: p.Leu3893Val; replaces leucine 3893 with valine.
Molecular consequence: missense variant. On other transcripts: non-coding transcript variant (1).
Genome position (GRCh38, 1-based): chr16:2,091,458, G>C on the plus strand (C>G on the coding strand, the complement: PKD1 is on the minus strand). VCF-style: chr16-2091458-G-C. GRCh37 (hg19) VCF-style: chr16-2141459-G-C.
Other names: c.11674C>G, p.Leu3892Val (NM_000296.4); short protein forms L3892V, L3893V.
Identifiers: ClinVar variation 2629773 (VCV002629773.1), dbSNP rs973293202, ClinGen allele CA276766095.

ClinVar aggregate classification (germline): Uncertain significance (1 of 4 stars; one submission).

Conditions:
PKD1-related disorder. Also called: PKD1-related condition.

Allele frequency attached by ClinVar (database versions not stated): TOPMed 0.00002.

Submission:

PreventionGenetics, part of Exact Sciences
Classification: Uncertain significance for PKD1-related condition. Last evaluated: 2022-12-26. Review status: criteria provided, single submitter. Criteria: ACMG Guidelines, 2015. Collection method: clinical testing. Allele origin: germline.
Comment: The PKD1 c.11677C>G variant is predicted to result in the amino acid substitution p.Leu3893Val. To our knowledge, this variant has not been reported in the literature or in a large population database, indicating this variant is rare. At this time, the clinical significance of this variant is uncertain due to the absence of conclusive functional and genetic evidence.